The following is an entry in ClinVar:

NM_015346.4(ZFYVE26):c.4975-252G>T

Gene: ZFYVE26 (zinc finger FYVE-type containing 26; minus strand). Cytogenetic location: 14q24.1.
Variant type: single nucleotide variant.
Coding change: c.4975-252G>T on transcript NM_015346.4 (MANE Select); 252 bases into the intron before coding-DNA position 4975, G replaced by T.
Molecular consequence: intron variant.
Genome position (GRCh38, 1-based): chr14:67,776,358, C>A on the plus strand (G>T on the coding strand, the complement: ZFYVE26 is on the minus strand). VCF-style: chr14-67776358-C-A. GRCh37 (hg19) VCF-style: chr14-68243075-C-A.
Identifiers: ClinVar variation 669979 (VCV000669979.1), dbSNP rs12891047, ClinGen allele CA14015676.
Genomic context (GRCh38, chr14:67,776,358, plus strand): 5'-CCAAGTACCTTCACCAGATGAGGGGTTAGTAAACTTTTCCTATAAAGGATCAGAGAGTAA[C>A]TATTTCAGGCTTCATGGTCCATAATGTCTGTCTCAAACATTCAGCTCTGCACATGTACCT-3'

ClinVar aggregate classification (germline): Benign (1 of 4 stars; one submission).

Allele frequency attached by ClinVar (database versions not stated): gnomAD 0.61214 and 0.62192; TOPMed 0.61640; 1000 Genomes Project 30x 0.68941; 1000 Genomes Project 0.69728.
gnomAD v4.1: 94,568 of 152,014 alleles (62%); highest among the groups gnomAD compares: East Asian, 92%; 30,201 homozygotes.

Submission:

GeneDx
Classification: Benign. Last evaluated: 2018-06-14. Review status: criteria provided, single submitter. Criteria: GeneDx Variant Classification (06012015). Collection method: clinical testing. Allele origin: germline. Affected: yes.
Comment: This variant is considered likely benign or benign based on one or more of the following criteria: it is a conservative change, it occurs at a poorly conserved position in the protein, it is predicted to be benign by multiple in silico algorithms, and/or has population frequency not consistent with disease.